The following is an entry in ClinVar:

ClinVar aggregate classification (germline): Pathogenic (1 of 4 stars; one submission).

Conditions:
Hereditary breast ovarian cancer syndrome. Also called: Hereditary breast and ovarian cancer; Hereditary breast and ovarian cancer syndrome (HBOC); Breast and ovarian cancer; Hereditary breast and ovarian cancer syndrome; Hereditary breast and/or ovarian cancer syndrome; BRCA1- and BRCA2-Associated Hereditary Breast and Ovarian Cancer. Identifiers: Orphanet 145, MedGen C0677776, MeSH D061325, MONDO:0003582. Disease mechanism: loss of function.

Submission:

Labcorp Genetics (formerly Invitae), Labcorp
Classification: Pathogenic for Hereditary breast ovarian cancer syndrome. Last evaluated: 2020-11-10. Review status: criteria provided, single submitter. Criteria: Invitae Variant Classification Sherloc (09022015). Collection method: clinical testing. Allele origin: germline.
Comment: For these reasons, this variant has been classified as Pathogenic. This sequence change creates a premature translational stop signal (p.His1458Ilefs*5) in the BRCA2 gene. It is expected to result in an absent or disrupted protein product. Loss-of-function variants in BRCA2 are known to be pathogenic (PMID: 20104584). This variant is not present in population databases (ExAC no frequency). This variant has not been reported in the literature in individuals with BRCA2-related conditions.

Literature cited by the submitters: PubMed 20104584.

NM_000059.4(BRCA2):c.4372del (p.His1458fs)

Gene: BRCA2 (BRCA2 DNA repair associated; plus strand). Cytogenetic location: 13q13.1.
Variant type: Deletion.
Coding change: c.4372del on transcript NM_000059.4 (MANE Select); coding-DNA position 4372, one base deleted (C; older notation c.4372delC).
Protein change: p.His1458fs; shifts the reading frame from histidine 1458.
Molecular consequence: frameshift variant.
Genome position (GRCh38, 1-based): chr13:32,338,727, C deleted. VCF-style (leftmost placement, unchanged base first): chr13-32338726-GC-G. GRCh37 (hg19) VCF-style: chr13-32912863-GC-G.
Other names: short protein forms H1458fs.
Identifiers: ClinVar variation 1455876 (VCV001455876.6), dbSNP rs2137505618, ClinGen allele CA2573149378.
Genomic context (GRCh38, chr13:32,338,726, plus strand): 5'-TGTCGCCAAAGAGTCATTTAATAAAATTGTAAATTTCTTTGATCAGAAACCAGAAGAATT[GC>G]ATAACTTTTCCTTAAATTCTGAATTACATTCTGACATAAGAAAGAACAAAATGGACATTC-3'